The following is an entry in ClinVar:

NM_015404.4(WHRN):c.901G>A (p.Gly301Ser)

Gene: WHRN (whirlin; minus strand). Cytogenetic location: 9q32.
Variant type: single nucleotide variant.
Coding change: c.901G>A on transcript NM_015404.4 (MANE Select); coding-DNA position 901, G replaced by A.
Protein change: p.Gly301Ser; replaces glycine 301 with serine.
Molecular consequence: missense variant. On other transcripts: 5 prime UTR variant (1).
Genome position (GRCh38, 1-based): chr9:114,466,329, C>T on the plus strand (G>A on the coding strand, the complement: WHRN is on the minus strand). VCF-style: chr9-114466329-C-T. GRCh37 (hg19) VCF-style: chr9-117228609-C-T.
Other names: c.-249G>A (NM_001083885.3); c.901G>A, p.Gly301Ser (NM_001173425.2); short protein forms G301S.
Identifiers: ClinVar variation 1369104 (VCV001369104.4), dbSNP rs1226455178, ClinGen allele CA374619583.

ClinVar aggregate classification (germline): Uncertain significance (1 of 4 stars; one submission).

Allele frequency attached by ClinVar (database versions not stated): gnomAD 0.00001 and 0.00002; gnomAD exomes 0.00001; TOPMed 0.00002.
gnomAD v4.1: 26 of 1,614,020 alleles (0.0016%); highest among the groups gnomAD compares: South Asian, 0.0022%; no homozygotes.

Submission:

Labcorp Genetics (formerly Invitae), Labcorp
Classification: Uncertain significance. Last evaluated: 2022-06-04. Review status: criteria provided, single submitter. Criteria: Invitae Variant Classification Sherloc (09022015). Collection method: clinical testing. Allele origin: germline.
Comment: This sequence change replaces glycine, which is neutral and non-polar, with serine, which is neutral and polar, at codon 301 of the WHRN protein (p.Gly301Ser). This variant is present in population databases (no rsID available, gnomAD 0.007%). This variant has not been reported in the literature in individuals affected with WHRN-related conditions. ClinVar contains an entry for this variant (Variation ID: 1369104). Algorithms developed to predict the effect of missense changes on protein structure and function (SIFT, PolyPhen-2, Align-GVGD) all suggest that this variant is likely to be tolerated. In summary, the available evidence is currently insufficient to determine the role of this variant in disease. Therefore, it has been classified as a Variant of Uncertain Significance.